The following is an entry in ClinVar:

NM_000284.4(PDHA1):c.1163C>A (p.Ser388Ter)

Gene: PDHA1 (pyruvate dehydrogenase E1 subunit alpha 1; plus strand). Cytogenetic location: Xp22.12.
Variant type: single nucleotide variant.
Coding change: c.1163C>A on transcript NM_000284.4 (MANE Select); coding-DNA position 1163, C replaced by A.
Protein change: p.Ser388Ter; replaces serine 388 with a stop codon.
Molecular consequence: nonsense.
Genome position (GRCh38, 1-based): chrX:19,359,643, C>A. VCF-style: chrX-19359643-C-A. GRCh37 (hg19) VCF-style: chrX-19377761-C-A.
Other names: c.1277C>A, p.Ser426Ter (NM_001173454.2); c.1184C>A, p.Ser395Ter (NM_001173455.2); c.1070C>A, p.Ser357Ter (NM_001173456.2); short protein forms S357*, S388*, S395*, S426*.
Identifiers: ClinVar variation 4070482 (VCV004070482.1).

ClinVar aggregate classification (germline): Pathogenic (0 of 4 stars; one submission).

Conditions:
Pyruvate dehydrogenase E1-alpha deficiency (PDHAD). Also called: ATAXIA, INTERMITTENT, WITH PYRUVATE DEHYDROGENASE DEFICIENCY; ATAXIA WITH LACTIC ACIDOSIS I; ATAXIA, INTERMITTENT, WITH ABNORMAL PYRUVATE METABOLISM; Ataxia, intermittent, with pyruvate dehydrogenase, or decarboxylase, deficiency. Identifiers: Orphanet 79243, MedGen C1839413, MONDO:0010717, OMIM 312170.

Submission:

PDHA1 Study Group, University Children’s Hospital, Paracelsus Medical University
Classification: Pathogenic for Pyruvate dehydrogenase E1-alpha deficiency. Last evaluated: 2024-10-15. Review status: no assertion criteria provided. Collection method: research. Allele origin: germline. Affected: yes. Observed: 1 variant allele.
Comment: The NM_000284.3:c.1163C>A (p.Ser388Ter) change is a nonsense variant in PDHA1 gene. This variant is predicted to escape nonsense-mediated decay (NMD). The variant has been reported in 1 published case (PMIDs: 10679936). Last literature search: July 12, 2024. This variant is absent or extremely rare in population-based cohorts in the Genome Aggregation Database (gnomAD). Individuals harboring this variant presented with clinical features compatible with PDHA1-related PDHc deficiency. In summary, this variant meets criteria to be classified as pathogenic (P) for PDHA1-related PDHc deficiency based on the ACMG/AMP criteria applied: PVS1, PM2, PM7 (last assessment October 15, 2024).

Literature cited by the submitters: PubMed 10679936; DOI 10.1093/brain/awaf430.